The following is an entry in ClinVar:

NM_003126.4(SPTA1):c.5910+5G>C

Gene: SPTA1 (spectrin alpha, erythrocytic 1; minus strand). Cytogenetic location: 1q23.1.
Variant type: single nucleotide variant.
Coding change: c.5910+5G>C on transcript NM_003126.4 (MANE Select); 5 bases into the intron after coding-DNA position 5910, G replaced by C.
Molecular consequence: intron variant.
Genome position (GRCh38, 1-based): chr1:158,626,141, C>G on the plus strand (G>C on the coding strand, the complement: SPTA1 is on the minus strand). VCF-style: chr1-158626141-C-G. GRCh37 (hg19) VCF-style: chr1-158595931-C-G.
Identifiers: ClinVar variation 4735177 (VCV004735177.1).

ClinVar aggregate classification (germline): Uncertain significance (1 of 4 stars; one submission).

Submission:

Labcorp Genetics (formerly Invitae), Labcorp
Classification: Uncertain significance. Last evaluated: 2026-01-12. Review status: criteria provided, single submitter. Criteria: Invitae Variant Classification Sherloc (09022015). Collection method: clinical testing. Allele origin: germline.
Comment: This sequence change falls in intron 42 of the SPTA1 gene. It does not directly change the encoded amino acid sequence of the SPTA1 protein. It affects a nucleotide within the consensus splice site. This variant is not present in population databases (gnomAD no frequency). This variant has not been reported in the literature in individuals affected with SPTA1-related conditions. Variants that disrupt the consensus splice site are a relatively common cause of aberrant splicing (PMID: 17576681, 9536098). Algorithms developed to predict the effect of sequence changes on RNA splicing suggest that this variant may disrupt the consensus splice site. In summary, the available evidence is currently insufficient to determine the role of this variant in disease. Therefore, it has been classified as a Variant of Uncertain Significance.

Literature cited by the submitters: PubMed 17576681; PubMed 9536098.